The following is an entry in ClinVar:

NM_001128840.3(CACNA1D):c.2624T>A (p.Ile875Asn)

Gene: CACNA1D (calcium voltage-gated channel subunit alpha1 D; plus strand). Cytogenetic location: 3p21.1.
Variant type: single nucleotide variant.
Coding change: c.2624T>A on transcript NM_001128840.3 (MANE Select); coding-DNA position 2624, T replaced by A.
Protein change: p.Ile875Asn; replaces isoleucine 875 with asparagine.
Molecular consequence: missense variant.
Genome position (GRCh38, 1-based): chr3:53,735,376, T>A. VCF-style: chr3-53735376-T-A. GRCh37 (hg19) VCF-style: chr3-53769403-T-A.
Other names: c.2684T>A, p.Ile895Asn (NM_000720.4); c.2624T>A, p.Ile875Asn (NM_001128839.3); short protein forms I875N, I895N.
Identifiers: ClinVar variation 2834063 (VCV002834063.3), dbSNP rs2473828429, ClinGen allele CA353242228.

ClinVar aggregate classification (germline): Uncertain significance (1 of 4 stars; one submission).

Submission:

Labcorp Genetics (formerly Invitae), Labcorp
Classification: Uncertain significance. Last evaluated: 2023-02-03. Review status: criteria provided, single submitter. Criteria: Invitae Variant Classification Sherloc (09022015). Collection method: clinical testing. Allele origin: germline.
Comment: This sequence change replaces isoleucine, which is neutral and non-polar, with asparagine, which is neutral and polar, at codon 895 of the CACNA1D protein (p.Ile895Asn). This variant is not present in population databases (gnomAD no frequency). This variant has not been reported in the literature in individuals affected with CACNA1D-related conditions. Algorithms developed to predict the effect of missense changes on protein structure and function are either unavailable or do not agree on the potential impact of this missense change (SIFT: "Deleterious"; PolyPhen-2: "Possibly Damaging"; Align-GVGD: "Class C0"). In summary, the available evidence is currently insufficient to determine the role of this variant in disease. Therefore, it has been classified as a Variant of Uncertain Significance.